The following is an entry in ClinVar:

NM_001130823.3(DNMT1):c.3811T>C (p.Cys1271Arg)

Gene: DNMT1 (DNA methyltransferase 1; minus strand). Cytogenetic location: 19p13.2.
Variant type: single nucleotide variant.
Coding change: c.3811T>C on transcript NM_001130823.3 (MANE Select); coding-DNA position 3811, T replaced by C.
Protein change: p.Cys1271Arg; replaces cysteine 1271 with arginine.
Molecular consequence: missense variant.
Genome position (GRCh38, 1-based): chr19:10,139,813, A>G on the plus strand (T>C on the coding strand, the complement: DNMT1 is on the minus strand). VCF-style: chr19-10139813-A-G. GRCh37 (hg19) VCF-style: chr19-10250489-A-G.
Other names: c.3763T>C, p.Cys1255Arg (NM_001318730.2, NM_001379.4); c.3448T>C, p.Cys1150Arg (NM_001318731.2); short protein forms C1271R, C1255R, C1150R.
Identifiers: ClinVar variation 3656856 (VCV003656856.2).

ClinVar aggregate classification (germline): Uncertain significance (1 of 4 stars; one submission).

Conditions:
Hereditary sensory neuropathy-deafness-dementia syndrome. Also called: NEUROPATHY, HEREDITARY SENSORY, WITH HEARING LOSS AND DEMENTIA; Hereditary Sensory and Autonomic Neuropathy Type 1E (HSAN1E); HSN IE; Hereditary sensory neuropathy type IE. Identifiers: Orphanet 456318, MedGen C3279885, MONDO:0013584, OMIM 614116.

Submission:

Labcorp Genetics (formerly Invitae), Labcorp
Classification: Uncertain significance for Hereditary sensory neuropathy-deafness-dementia syndrome. Last evaluated: 2024-07-17. Review status: criteria provided, single submitter. Criteria: Invitae Variant Classification Sherloc (09022015). Collection method: clinical testing. Allele origin: germline.
Comment: This sequence change replaces cysteine, which is neutral and slightly polar, with arginine, which is basic and polar, at codon 1271 of the DNMT1 protein (p.Cys1271Arg). This variant is not present in population databases (gnomAD no frequency). This variant has not been reported in the literature in individuals affected with DNMT1-related conditions. Advanced modeling of protein sequence and biophysical properties (such as structural, functional, and spatial information, amino acid conservation, physicochemical variation, residue mobility, and thermodynamic stability) performed at Invitae indicates that this missense variant is expected to disrupt DNMT1 protein function with a positive predictive value of 80%. In summary, the available evidence is currently insufficient to determine the role of this variant in disease. Therefore, it has been classified as a Variant of Uncertain Significance.